The following is an entry in ClinVar:

ClinVar aggregate classification (germline): Uncertain significance. Review status: criteria provided, multiple submitters, no conflicts (2 of 4 stars). 3 submissions from 3 submitters: Uncertain significance (3). Last evaluated 2025-12-16.

Conditions:
Hereditary cancer-predisposing syndrome. Also called: Neoplastic Syndromes, Hereditary; Hereditary Cancer Syndrome; Hereditary neoplastic syndrome; Tumor predisposition. Identifiers: Orphanet 140162, MedGen C0027672, MeSH D009386, MONDO:0015356.
Inflammatory skin and bowel disease, neonatal, 2 (NNCIS). Identifiers: Orphanet 294023, MedGen C4015130, MONDO:0014481, OMIM 616069.
Lung cancer. Also called: Lung cancer, somatic; Malignant tumor of lung. Identifiers: MedGen C0242379, MONDO:0008903, OMIM 211980.
EGFR-related lung cancer (EGFR). Identifiers: MedGen CN130014.

Allele frequency attached by ClinVar (database versions not stated): TOPMed below 0.00001; ExAC 0.00001; gnomAD exomes 0.00001.
gnomAD v4.1: 3 of 1,614,162 alleles (0.00019%); highest among the groups gnomAD compares: Admixed American, 0.005%; no homozygotes.

Submissions (3):

Labcorp Genetics (formerly Invitae), Labcorp
Classification: Uncertain significance for EGFR-related lung cancer. Last evaluated: 2025-12-16. Review status: criteria provided, single submitter. Criteria: Invitae Variant Classification Sherloc (09022015). Collection method: clinical testing. Allele origin: germline.
Comment: This sequence change replaces aspartic acid, which is acidic and polar, with alanine, which is neutral and non-polar, at codon 1006 of the EGFR protein (p.Asp1006Ala). This variant is present in population databases (rs752859687, gnomAD 0.009%). This variant has not been reported in the literature in individuals affected with EGFR-related conditions. ClinVar contains an entry for this variant (Variation ID: 1437670). Invitae Evidence Modeling of protein sequence and biophysical properties (such as structural, functional, and spatial information, amino acid conservation, physicochemical variation, residue mobility, and thermodynamic stability) indicates that this missense variant is not expected to disrupt EGFR protein function with a negative predictive value of 80%. In summary, the available evidence is currently insufficient to determine the role of this variant in disease. Therefore, it has been classified as a Variant of Uncertain Significance.

Ambry Genetics
Classification: Uncertain significance for Hereditary cancer-predisposing syndrome. Last evaluated: 2025-07-11. Review status: criteria provided, single submitter. Criteria: Ambry Variant Classification Scheme 2023. Collection method: clinical testing. Allele origin: germline.
Comment: The p.D1006A variant (also known as c.3017A>C), located in coding exon 25 of the EGFR gene, results from an A to C substitution at nucleotide position 3017. The aspartic acid at codon 1006 is replaced by alanine, an amino acid with dissimilar properties. This amino acid position is well conserved in available vertebrate species. In addition, the in silico prediction for this alteration is inconclusive. Based on the available evidence, the clinical significance of this variant remains unclear.

Fulgent Genetics
Classification: Uncertain significance for Lung cancer; Inflammatory skin and bowel disease, neonatal, 2. Last evaluated: 2024-06-19. Review status: criteria provided, single submitter. Criteria: ACMG Guidelines, 2015. Collection method: clinical testing. Allele origin: germline.

NM_005228.5(EGFR):c.3017A>C (p.Asp1006Ala)

Gene: EGFR (epidermal growth factor receptor; plus strand). Cytogenetic location: 7p11.2.
Variant type: single nucleotide variant.
Coding change: c.3017A>C on transcript NM_005228.5 (MANE Select); coding-DNA position 3017, A replaced by C.
Protein change: p.Asp1006Ala; replaces aspartic acid 1006 with alanine.
Molecular consequence: missense variant.
Genome position (GRCh38, 1-based): chr7:55,201,258, A>C. VCF-style: chr7-55201258-A-C. GRCh37 (hg19) VCF-style: chr7-55268951-A-C.
Other names: c.2882A>C, p.Asp961Ala (NM_001346897.2, NM_001346899.2); c.3017A>C, p.Asp1006Ala (NM_001346898.2); c.2858A>C, p.Asp953Ala (NM_001346900.2); c.2216A>C, p.Asp739Ala (NM_001346941.2); c.3017A>C (NM_005228.3); short protein forms D1006A, D739A, D961A, D953A.
Identifiers: ClinVar variation 1437670 (VCV001437670.10), dbSNP rs752859687, ClinGen allele CA4266239.